The following is an entry in ClinVar:

ClinVar aggregate classification (germline): Uncertain significance. Review status: criteria provided, multiple submitters, no conflicts (2 of 4 stars). 2 submissions from 2 submitters: Uncertain significance (2). Last evaluated 2023-06-06.

Conditions:
Inborn genetic diseases. Identifiers: MedGen C0950123, MeSH D030342.

Allele frequency attached by ClinVar (database versions not stated): ExAC 0.00002; TOPMed below 0.00001; gnomAD 0.00001; gnomAD exomes 0.00001.

Submissions (2):

Ambry Genetics
Classification: Uncertain significance for Inborn genetic diseases. Last evaluated: 2023-06-06. Review status: criteria provided, single submitter. Criteria: Ambry Variant Classification Scheme 2023. Collection method: clinical testing. Allele origin: germline.

Labcorp Genetics (formerly Invitae), Labcorp
Classification: Uncertain significance. Last evaluated: 2022-03-11. Review status: criteria provided, single submitter. Criteria: Invitae Variant Classification Sherloc (09022015). Collection method: clinical testing. Allele origin: germline.
Comment: In summary, the available evidence is currently insufficient to determine the role of this variant in disease. Therefore, it has been classified as a Variant of Uncertain Significance. Algorithms developed to predict the effect of missense changes on protein structure and function output the following: SIFT: "Tolerated"; PolyPhen-2: "Benign"; Align-GVGD: "Class C0". The tyrosine amino acid residue is found in multiple mammalian species, which suggests that this missense change does not adversely affect protein function. This variant has not been reported in the literature in individuals affected with ATF6-related conditions. This variant is present in population databases (rs751361347, gnomAD 0.003%). This sequence change replaces histidine, which is basic and polar, with tyrosine, which is neutral and polar, at codon 21 of the ATF6 protein (p.His21Tyr).

NM_007348.4(ATF6):c.61C>T (p.His21Tyr)

Gene: ATF6 (activating transcription factor 6; plus strand). Cytogenetic location: 1q23.3.
Variant type: single nucleotide variant.
Coding change: c.61C>T on transcript NM_007348.4 (MANE Select); coding-DNA position 61, C replaced by T.
Protein change: p.His21Tyr; replaces histidine 21 with tyrosine.
Molecular consequence: missense variant.
Genome position (GRCh38, 1-based): chr1:161,766,421, C>T. VCF-style: chr1-161766421-C-T. GRCh37 (hg19) VCF-style: chr1-161736211-C-T.
Other names: c.61C>T, p.His21Tyr (NM_001410890.1); c.61C>T (NM_007348.3); short protein forms H21Y.
Identifiers: ClinVar variation 1982183 (VCV001982183.6), dbSNP rs751361347, ClinGen allele CA1214073.
Genomic context (GRCh38, chr1:161,766,421, plus strand): 5'-ATGGGGGAGCCGGCTGGGGTTGCCGGCACCATGGAGTCACCTTTTAGCCCGGGACTCTTT[C>T]ACAGGCTGGATGAAGATTGGGGTGAGTGGGATCTGAGAATGTACCAGGGTGGCTCGGGTT-3'
Protein context (NP_031374.2, residues 11-31): MESPFSPGLF[His21Tyr]RLDEDWDSAL